The following is an entry in ClinVar:

NM_000337.6(SGCD):c.38C>T (p.Thr13Ile)

Gene: SGCD (sarcoglycan delta; plus strand). Cytogenetic location: 5q33.3.
Variant type: single nucleotide variant.
Coding change: c.38C>T on transcript NM_000337.6 (MANE Select); coding-DNA position 38, C replaced by T.
Protein change: p.Thr13Ile; replaces threonine 13 with isoleucine.
Molecular consequence: missense variant.
Genome position (GRCh38, 1-based): chr5:156,344,523, C>T. VCF-style: chr5-156344523-C-T. GRCh37 (hg19) VCF-style: chr5-155771533-C-T.
Other names: c.35C>T, p.Thr12Ile (NM_001128209.2); c.38C>T, p.Thr13Ile (NM_172244.3); short protein forms T13I, T12I.
Identifiers: ClinVar variation 1040476 (VCV001040476.5), dbSNP rs1768840932, ClinGen allele CA362007571.

ClinVar aggregate classification (germline): Uncertain significance (1 of 4 stars; one submission).

Conditions:
Autosomal recessive limb-girdle muscular dystrophy type 2F (LGMDR6). Also called: MUSCULAR DYSTROPHY, LIMB-GIRDLE, AUTOSOMAL RECESSIVE 6; Muscular dystrophy limb-girdle with delta-sarcoglyan deficiency. Identifiers: Orphanet 219, MedGen C1832525, MONDO:0011028, OMIM 601287. Disease mechanism: Affects gamma-sarcoglycan and also disrupts the integrity of the entire sarcoglycan complex..

Allele frequency attached by ClinVar (database versions not stated): gnomAD exomes 0.00001.
gnomAD v4.1: 4 of 1,609,084 alleles (0.00025%); highest among the groups gnomAD compares: Admixed American, 0.0034%; no homozygotes.

Submission:

Labcorp Genetics (formerly Invitae), Labcorp
Classification: Uncertain significance for Autosomal recessive limb-girdle muscular dystrophy type 2F. Last evaluated: 2022-03-18. Review status: criteria provided, single submitter. Criteria: Invitae Variant Classification Sherloc (09022015). Collection method: clinical testing. Allele origin: germline.
Comment: In summary, the available evidence is currently insufficient to determine the role of this variant in disease. Therefore, it has been classified as a Variant of Uncertain Significance. Algorithms developed to predict the effect of missense changes on protein structure and function are either unavailable or do not agree on the potential impact of this missense change (SIFT: "Deleterious"; PolyPhen-2: "Benign"; Align-GVGD: "Class C15"). ClinVar contains an entry for this variant (Variation ID: 1040476). This variant has not been reported in the literature in individuals affected with SGCD-related conditions. This variant is not present in population databases (gnomAD no frequency). This sequence change replaces threonine, which is neutral and polar, with isoleucine, which is neutral and non-polar, at codon 13 of the SGCD protein (p.Thr13Ile).